The following is an entry in ClinVar:

NM_213655.5(WNK1):c.2228C>T (p.Pro743Leu)

Gene: WNK1 (WNK lysine deficient protein kinase 1; plus strand). Cytogenetic location: 12p13.33.
Variant type: single nucleotide variant.
Coding change: c.2228C>T on transcript NM_213655.5 (MANE Plus Clinical); coding-DNA position 2228, C replaced by T.
Protein change: p.Pro743Leu; replaces proline 743 with leucine.
Molecular consequence: missense variant. On other transcripts: intron variant (3).
Genome position (GRCh38, 1-based): chr12:865,198, C>T. VCF-style: chr12-865198-C-T. GRCh37 (hg19) VCF-style: chr12-974364-C-T.
Other names: c.2140-2668C>T (NM_001184985.2); c.2139+2928C>T (NM_018979.4, NM_014823.3); short protein forms P743L.
Identifiers: ClinVar variation 2036883 (VCV002036883.4), dbSNP rs528772088, ClinGen allele CA6382135.

ClinVar aggregate classification (germline): Uncertain significance (1 of 4 stars; one submission).

Conditions:
Neuropathy, hereditary sensory and autonomic, type 2A (HSAN2A). Also called: ACROOSTEOLYSIS, GIACCAI TYPE; ACROOSTEOLYSIS, NEUROGENIC; MORVAN DISEASE; NEUROPATHY, CONGENITAL SENSORY; NEUROPATHY, HEREDITARY SENSORY RADICULAR, AUTOSOMAL RECESSIVE; NEUROPATHY, HEREDITARY SENSORY, TYPE IIA. Identifiers: Orphanet 970, MedGen C2752089, MONDO:0024309, OMIM 201300.
Pseudohypoaldosteronism type 2C (PHA2C). Also called: Pseudohypoaldosteronism Type IIC. Identifiers: Orphanet 757, Orphanet 88940, MedGen C1840391, MONDO:0013778, OMIM 614492.

Allele frequency attached by ClinVar (database versions not stated): TOPMed 0.00001; gnomAD exomes 0.00002; gnomAD 0.00003; ExAC 0.00008; 1000 Genomes Project 30x 0.00016; 1000 Genomes Project 0.00040.
gnomAD v4.1: 31 of 1,535,990 alleles (0.002%); highest among the groups gnomAD compares: Admixed American, 0.0098%; no homozygotes.

Submission:

Labcorp Genetics (formerly Invitae), Labcorp
Classification: Uncertain significance for Neuropathy, hereditary sensory and autonomic, type 2A; Pseudohypoaldosteronism type 2C. Last evaluated: 2024-08-11. Review status: criteria provided, single submitter. Criteria: Invitae Variant Classification Sherloc (09022015). Collection method: clinical testing. Allele origin: germline.
Comment: This sequence change replaces proline, which is neutral and non-polar, with leucine, which is neutral and non-polar, at codon 743 of the WNK1 protein (p.Pro743Leu). This variant is present in population databases (rs528772088, gnomAD 0.02%). This variant has not been reported in the literature in individuals affected with WNK1-related conditions. ClinVar contains an entry for this variant (Variation ID: 2036883). Advanced modeling of protein sequence and biophysical properties (such as structural, functional, and spatial information, amino acid conservation, physicochemical variation, residue mobility, and thermodynamic stability) performed at Invitae indicates that this missense variant is not expected to disrupt WNK1 protein function with a negative predictive value of 95%. In summary, the available evidence is currently insufficient to determine the role of this variant in disease. Therefore, it has been classified as a Variant of Uncertain Significance.